The following is an entry in ClinVar:

NM_206933.4(USH2A):c.5645G>A (p.Gly1882Asp)

Genes: USH2A (usherin; minus strand), USH2A-AS2 (USH2A antisense RNA 2; plus strand). Cytogenetic location: 1q41.
Variant type: single nucleotide variant.
Coding change: c.5645G>A on transcript NM_206933.4 (MANE Select); coding-DNA position 5645, G replaced by A.
Protein change: p.Gly1882Asp; replaces glycine 1882 with aspartic acid.
Molecular consequence: missense variant.
Genome position (GRCh38, 1-based): chr1:216,073,228, C>T on the plus strand (G>A on the coding strand, the complement: USH2A is on the minus strand). VCF-style: chr1-216073228-C-T. GRCh37 (hg19) VCF-style: chr1-216246570-C-T.
Other names: short protein forms G1882D.
Identifiers: ClinVar variation 942194 (VCV000942194.9), dbSNP rs2031621745, ClinGen allele CA344854643.

ClinVar aggregate classification (germline): Uncertain significance (1 of 4 stars; one submission).

Submission:

Labcorp Genetics (formerly Invitae), Labcorp
Classification: Uncertain significance. Last evaluated: 2019-09-10. Review status: criteria provided, single submitter. Criteria: Invitae Variant Classification Sherloc (09022015). Collection method: clinical testing. Allele origin: germline.
Comment: This sequence change replaces glycine with aspartic acid at codon 1882 of the USH2A protein (p.Gly1882Asp). The glycine residue is weakly conserved and there is a moderate physicochemical difference between glycine and aspartic acid. This variant is not present in population databases (ExAC no frequency). This variant has not been reported in the literature in individuals with USH2A-related conditions. Algorithms developed to predict the effect of missense changes on protein structure and function (SIFT, PolyPhen-2, Align-GVGD) all suggest that this variant is likely to be tolerated, but these predictions have not been confirmed by published functional studies and their clinical significance is uncertain. In summary, the available evidence is currently insufficient to determine the role of this variant in disease. Therefore, it has been classified as a Variant of Uncertain Significance.